The following is an entry in ClinVar:

NM_001039958.2(MESP2):c.554_561del (p.Gly185fs)

Gene: MESP2 (mesoderm posterior bHLH transcription factor 2; plus strand). Cytogenetic location: 15q26.1.
Variant type: Deletion.
Coding change: c.554_561del on transcript NM_001039958.2 (MANE Select); coding-DNA positions 554 to 561, 8 bases deleted (GGCAGGGG; older notation c.554_561delGGCAGGGG).
Protein change: p.Gly185fs; shifts the reading frame from glycine 185.
Molecular consequence: frameshift variant.
Genome position (GRCh38, 1-based): chr15:89,776,911-89,776,918, GGCAGGGG deleted; deleting any 8 consecutive bases within chr15:89,776,909-89,776,918 gives the same sequence; the c. name uses the placement nearest the transcript's 3' end. VCF-style (leftmost placement, unchanged base first): chr15-89776908-AGGGGCAGG-A. GRCh37 (hg19) VCF-style: chr15-90320139-AGGGGCAGG-A.
Other names: short protein forms G185fs.
Identifiers: ClinVar variation 4814572 (VCV004814572.1).

ClinVar aggregate classification (germline): Likely pathogenic (1 of 4 stars; one submission).

Conditions:
Spondylocostal dysostosis 2, autosomal recessive (SCDO2). Also called: MESP2-Related Spondylocostal Dysostosis, Autosomal Recessive; Spondylocostal dysostosis type 2. Identifiers: Orphanet 2311, MedGen C1837549, MONDO:0012097, OMIM 608681.

Submission:

Natera, Inc.
Classification: Likely pathogenic for Spondylocostal dysostosis type 2. Last evaluated: 2025-03-10. Review status: criteria provided, single submitter. Criteria: Natera Variant Classification Schema (03/2026). Collection method: clinical testing. Allele origin: germline.
Comment: The c.554_561delGGCAGGGG variant in MESP2 is a frameshift variant predicted to shift the reading frame beginning at codon 185 and leads to a stop codon 179 codons downstream. This variant is expected to result in nonsense mediated decay, truncation, or a dysfunctional protein product. This variant is rare in the general population with a frequency below the threshold expected for the associated phenotype(s). Given the available evidence, this variant is classified as Likely Pathogenic.